The following is an entry in ClinVar:

NM_004415.4(DSP):c.2432T>C (p.Leu811Pro)

Gene: DSP (desmoplakin; plus strand). Cytogenetic location: 6p24.3.
Variant type: single nucleotide variant.
Coding change: c.2432T>C on transcript NM_004415.4 (MANE Select); coding-DNA position 2432, T replaced by C.
Protein change: p.Leu811Pro; replaces leucine 811 with proline.
Molecular consequence: missense variant.
Genome position (GRCh38, 1-based): chr6:7,574,791, T>C. VCF-style: chr6-7574791-T-C. GRCh37 (hg19) VCF-style: chr6-7575024-T-C.
Other names: c.2432T>C (LRG_423t1); c.2432T>C, p.Leu811Pro (NM_001008844.3, NM_001319034.2); short protein forms L811P.
Identifiers: ClinVar variation 222575 (VCV000222575.8), dbSNP rs869025391, ClinGen allele CA352038.

ClinVar aggregate classification (germline): Uncertain significance. Review status: criteria provided, multiple submitters, no conflicts (2 of 4 stars). 3 submissions from 3 submitters: Uncertain significance (3). Last evaluated 2026-01-06.

Conditions:
Keratosis palmoplantaris striata 2. Also called: Keratosis palmoplantaris striata II; KERATODERMA, PALMOPLANTAR, STRIATE FORM II; STRIATE PALMOPLANTAR KERATODERMA II. Identifiers: MedGen C1852127, MONDO:0013034, OMIM 612908.
Cardiomyopathy, dilated, with wooly hair, keratoderma, and tooth agenesis. Also called: Cardiomyopathy, dilated, with woolly hair, keratoderma, and tooth agenesis; Erythrokeratodermia-cardiomyopathy syndrome. Identifiers: Orphanet 476096, Orphanet 65282, MedGen C4014393, MONDO:0014355, OMIM 615821.
Arrhythmogenic cardiomyopathy with wooly hair and keratoderma. Also called: Dilated cardiomyopathy with woolly hair and keratoderma; PALMOPLANTAR KERATODERMA WITH LEFT VENTRICULAR CARDIOMYOPATHY AND WOOLLY HAIR; Carvajal syndrome; Arrhythmogenic cardiomyopathy with woolly hair and keratoderma. Identifiers: Orphanet 65282, MedGen C1854063, MONDO:0011581, OMIM 605676.
Lethal acantholytic epidermolysis bullosa (EBLA). Identifiers: Orphanet 158687, MedGen C1864826, MONDO:0012323, OMIM 609638.
Arrhythmogenic right ventricular dysplasia 8 (ARVD8). Also called: Arrhythmogenic Right Ventricular Dysplasia/Cardiomyopathy 8; ARRHYTHMOGENIC RIGHT VENTRICULAR DYSPLASIA, FAMILIAL, 8; ARRHYTHMOGENIC RIGHT VENTRICULAR CARDIOMYOPATHY 8. Identifiers: MedGen C1843896, MONDO:0011831, OMIM 607450.
Woolly hair-skin fragility syndrome (WHSF). Identifiers: Orphanet 293165, MedGen C1843292, MONDO:0957307, OMIM 620415.

gnomAD v4.1: 1 of 1,614,176 alleles (0.000062%); highest among the groups gnomAD compares: South Asian, 0.0011%; no homozygotes.

Submissions (3):

Labcorp Genetics (formerly Invitae), Labcorp
Classification: Uncertain significance for Arrhythmogenic cardiomyopathy with wooly hair and keratoderma; Arrhythmogenic right ventricular dysplasia 8. Last evaluated: 2026-01-06. Review status: criteria provided, single submitter. Criteria: Invitae Variant Classification Sherloc (09022015). Collection method: clinical testing. Allele origin: germline.
Comment: This sequence change replaces leucine, which is neutral and non-polar, with proline, which is neutral and non-polar, at codon 811 of the DSP protein (p.Leu811Pro). This variant is not present in population databases (gnomAD no frequency). This variant has not been reported in the literature in individuals affected with DSP-related conditions. ClinVar contains an entry for this variant (Variation ID: 222575). An algorithm developed to predict the effect of missense changes on protein structure and function (PolyPhen-2) suggests that this variant is likely to be disruptive. In summary, the available evidence is currently insufficient to determine the role of this variant in disease. Therefore, it has been classified as a Variant of Uncertain Significance.

GeneDx
Classification: Uncertain significance. Last evaluated: 2023-03-16. Review status: criteria provided, single submitter. Criteria: GeneDx Variant Classification Process June 2021. Collection method: clinical testing. Allele origin: germline. Affected: yes.
Comment: Not observed at significant frequency in large population cohorts (gnomAD); In silico analysis supports that this missense variant has a deleterious effect on protein structure/function; Has not been previously published as pathogenic or benign to our knowledge

Fulgent Genetics
Classification: Uncertain significance for Arrhythmogenic cardiomyopathy with wooly hair and keratoderma; Arrhythmogenic right ventricular dysplasia 8; Lethal acantholytic epidermolysis bullosa; Keratosis palmoplantaris striata 2; Cardiomyopathy, dilated, with wooly hair, keratoderma, and tooth agenesis. Last evaluated: 2018-10-31. Review status: criteria provided, single submitter. Criteria: ACMG Guidelines, 2015. Collection method: clinical testing. Allele origin: unknown.